The following is an entry in ClinVar:

ClinVar aggregate classification (germline): Uncertain significance (1 of 4 stars; one submission).

Conditions:
Neuroblastoma, susceptibility to, 3. Also called: ALK-Related Neuroblastic Tumor Susceptibility. Identifiers: Orphanet 635, MedGen C2751681, MONDO:0013083, OMIM 613014.

Submission:

Labcorp Genetics (formerly Invitae), Labcorp
Classification: Uncertain significance for Neuroblastoma, susceptibility to, 3. Last evaluated: 2024-09-09. Review status: criteria provided, single submitter. Criteria: Invitae Variant Classification Sherloc (09022015). Collection method: clinical testing. Allele origin: germline.
Comment: This sequence change replaces lysine, which is basic and polar, with glutamic acid, which is acidic and polar, at codon 982 of the ALK protein (p.Lys982Glu). This variant is not present in population databases (gnomAD no frequency). This variant has not been reported in the literature in individuals affected with ALK-related conditions. An algorithm developed to predict the effect of missense changes on protein structure and function (PolyPhen-2) suggests that this variant is likely to be tolerated. In summary, the available evidence is currently insufficient to determine the role of this variant in disease. Therefore, it has been classified as a Variant of Uncertain Significance.

NM_004304.5(ALK):c.2944A>G (p.Lys982Glu)

Gene: ALK (ALK receptor tyrosine kinase; minus strand). Cytogenetic location: 2p23.2.
Variant type: single nucleotide variant.
Coding change: c.2944A>G on transcript NM_004304.5 (MANE Select); coding-DNA position 2944, A replaced by G.
Protein change: p.Lys982Glu; replaces lysine 982 with glutamic acid.
Molecular consequence: missense variant.
Genome position (GRCh38, 1-based): chr2:29,227,045, T>C on the plus strand (A>G on the coding strand, the complement: ALK is on the minus strand). VCF-style: chr2-29227045-T-C. GRCh37 (hg19) VCF-style: chr2-29449911-T-C.
Other names: short protein forms K982E.
Identifiers: ClinVar variation 3729948 (VCV003729948.2).